The following is an entry in ClinVar:

ClinVar aggregate classification (germline): Benign. Review status: criteria provided, multiple submitters, no conflicts (2 of 4 stars). 3 submissions from 3 submitters: Benign (2). 1 of the submissions does not count toward it. Last evaluated 2026-01-26.

Conditions:
UBE3B-related disorder. Also called: UBE3B-related condition.

Allele frequency attached by ClinVar (database versions not stated): gnomAD exomes 0.00219 and 0.00582; ExAC 0.00633; ESP Exome Variant Server 0.01207; gnomAD 0.01239; TOPMed 0.01390; 1000 Genomes Project 30x 0.01889; 1000 Genomes Project 0.01917.
gnomAD v4.1: 5,287 of 1,614,092 alleles (0.33%); highest among the groups gnomAD compares: African/African-American, 3.8%; 75 homozygotes.

Submissions (3):

Labcorp Genetics (formerly Invitae), Labcorp
Classification: Benign. Last evaluated: 2026-01-26. Review status: criteria provided, single submitter. Criteria: Invitae Variant Classification Sherloc (09022015). Collection method: clinical testing. Allele origin: germline.

Breakthrough Genomics
Classification: Benign. Review status: criteria provided, single submitter. Criteria: ACMG Guidelines, 2015. Collection method: not provided. Allele origin: germline. Inheritance: Autosomal recessive inheritance. Affected: yes.

PreventionGenetics, part of Exact Sciences
Classification: Benign for UBE3B-related condition. Last evaluated: 2019-09-24. Review status: no assertion criteria provided. Collection method: clinical testing. Allele origin: germline. Not counted in ClinVar's aggregate classification.
Comment: This variant is classified as benign based on ACMG/AMP sequence variant interpretation guidelines (Richards et al. 2015 PMID: 25741868, with internal and published modifications).

NM_130466.4(UBE3B):c.219A>C (p.Ala73=)

Gene: UBE3B (ubiquitin protein ligase E3B; plus strand). Cytogenetic location: 12q24.11.
Variant type: single nucleotide variant.
Coding change: c.219A>C on transcript NM_130466.4 (MANE Select); coding-DNA position 219, A replaced by C.
Protein change: p.Ala73=; no amino-acid change (alanine 73 retained).
Molecular consequence: synonymous variant.
Genome position (GRCh38, 1-based): chr12:109,483,918, A>C. VCF-style: chr12-109483918-A-C. GRCh37 (hg19) VCF-style: chr12-109921723-A-C.
Other names: c.219A>C, p.Ala73= (NM_001270449.2, NM_001270450.2, NM_001270451.2 and 1 more transcripts).
Identifiers: ClinVar variation 703032 (VCV000703032.14), dbSNP rs113987841, ClinGen allele CA6777423.
Genomic context (GRCh38, chr12:109,483,918, plus strand): 5'-TAGGAGAGAGATTGATGACTTTTTTAAAGCAGATGACCCTGAGTCCACTAAAAGAAGTGC[A>C]CTTTGTATTTTCAAGATTGCCAGGAAACTGCTGTTCCTATTCAGAATCAAAGAGGATAAT-3'
Protein context (NP_569733.2, residues 63-83): ADDPESTKRS[Ala73=]LCIFKIARKL